The following is an entry in ClinVar:

NM_002769.5(PRSS1):c.435del (p.Asn146fs)

Genes: TRB (T cell receptor beta locus; plus strand), PRSS1 (serine protease 1; plus strand). Cytogenetic location: 7q34.
Variant type: Deletion.
Coding change: c.435del on transcript NM_002769.5 (MANE Select); coding-DNA position 435, one base deleted (C; older notation c.435delC).
Protein change: p.Asn146fs; shifts the reading frame from asparagine 146.
Molecular consequence: frameshift variant. On other transcripts: non-coding transcript variant (5).
Genome position (GRCh38, 1-based): chr7:142,752,008, C deleted. VCF-style (leftmost placement, unchanged base first): chr7-142752007-GC-G. GRCh37 (hg19) VCF-style: chr7-142459858-GC-G.
Other names: short protein forms N146fs.
Identifiers: ClinVar variation 1739994 (VCV001739994.2), dbSNP rs2485754932, ClinGen allele CA2580077613.
Genomic context (GRCh38, chr7:142,752,007, plus strand): 5'-CCATCTCTCTGCCCACCGCCCCTCCAGCCACTGGCACGAAGTGCCTCATCTCTGGCTGGG[GC>G]AACACTGCGAGCTCTGGCGGTGAGTGGGACCCTTAGTCCTTCTACTTCCCTCCATCCTCA-3'

ClinVar aggregate classification (germline): Uncertain significance (1 of 4 stars; one submission).

Conditions:
Hereditary pancreatitis (PCTT). Also called: Hereditary chronic pancreatitis; PRSS1-Related Hereditary Pancreatitis. Identifiers: Orphanet 676, MedGen C0238339, MONDO:0008185, OMIM 167800.

Submission:

Ambry Genetics
Classification: Uncertain significance for Hereditary pancreatitis. Last evaluated: 2021-05-27. Review status: criteria provided, single submitter. Criteria: Ambry Variant Classification Scheme 2023. Collection method: clinical testing. Allele origin: germline.
Comment: The c.435delC variant, located in coding exon 3 of the PRSS1 gene, results from a deletion of one nucleotide at nucleotide position 435, causing a translational frameshift with a predicted alternate stop codon (p.N146Tfs*21). This alteration is expected to result in premature protein truncation or nonsense-mediated mRNA decay. However, loss of function of PRSS1 has not been clearly established as a mechanism of disease. Since supporting evidence is limited at this time, the clinical significance of this alteration remains unclear.